The following is an entry in ClinVar:

ClinVar aggregate classification (germline): Conflicting classifications of pathogenicity. Review status: criteria provided, conflicting classifications (1 of 4 stars). 9 submissions from 9 submitters: Uncertain significance (7); Likely benign (1). 1 of the submissions does not count toward it. Last evaluated 2026-05-04.

Conditions:
Inborn genetic diseases. Identifiers: MedGen C0950123, MeSH D030342.
HSD17B4-related disorder. Also called: HSD17B4-related condition; HSD17B4-related disorders.
Bifunctional peroxisomal enzyme deficiency (DBIF). Also called: D-bifunctional protein deficiency; DBP DEFICIENCY; PBFE DEFICIENCY. Identifiers: Orphanet 300, MedGen C0342870, MONDO:0009855, OMIM 261515. Disease mechanism: loss of function.
Perrault syndrome. Also called: Gonadal dysgenesis with auditory dysfunction, autosomal recessive inheritance. Identifiers: Orphanet 2855, MedGen C0685838, MONDO:0017312.

Allele frequency attached by ClinVar (database versions not stated): ESP Exome Variant Server 0.00038; TOPMed 0.00012; gnomAD 0.00013.
gnomAD v4.1: 451 of 1,614,044 alleles (0.028%); highest among the groups gnomAD compares: South Asian, 0.049%; 1 homozygote.

Submissions (9):

Myriad Genetics, Inc.
Classification: Uncertain significance for Bifunctional peroxisomal enzyme deficiency. Last evaluated: 2026-05-04. Review status: criteria provided, single submitter. Criteria: Myriad Autosomal Dominant, Autosomal Recessive and X-Linked Classification Criteria (2023). Collection method: clinical testing. Allele origin: unknown.
Comment: NM_000414.3(HSD17B4):c.11C>G(P4R) is a missense variant classified as a variant of uncertain significance in the context of HSD17B4-related disorders. P4R has been observed in a case with relevant disease (PMID: 30692775). Relevant functional assessments of this variant are not available in the literature. P4R has been observed in referenced population frequency databases. In summary, there is insufficient evidence to classify NM_000414.3(HSD17B4):c.11C>G(P4R) as pathogenic or benign. Please note: this variant was assessed in the context of healthy population screening.

PreventionGenetics, part of Exact Sciences
Classification: Uncertain significance for HSD17B4-related condition. Last evaluated: 2026-02-10. Review status: criteria provided, single submitter. Criteria: ACMG Guidelines, 2015. Collection method: clinical testing. Allele origin: germline.
Comment: The HSD17B4 c.11C>G variant is predicted to result in the amino acid substitution p.Pro4Arg. This variant has been reported in the compound heterozygous state in an individual with D-bifunctional protein deficiency (Incecik and Mungan. 2019. PubMed ID: 30692775). This variant is reported in 0.033% of alleles in individuals of South Asian descent in gnomAD. However, in gnomAD v4 (available only on GRCh38), this variant is reported in 0.049% of alleles in in individuals of South Asian descent, including one homozygote. At this time, the clinical significance of this variant is uncertain due to the absence of conclusive functional and genetic evidence.

Labcorp Genetics (formerly Invitae), Labcorp
Classification: Likely benign for Perrault syndrome; Bifunctional peroxisomal enzyme deficiency. Last evaluated: 2026-01-05. Review status: criteria provided, single submitter. Criteria: Invitae Variant Classification Sherloc (09022015). Collection method: clinical testing. Allele origin: germline.

GeneDx
Classification: Uncertain significance. Last evaluated: 2025-12-22. Review status: criteria provided, single submitter. Criteria: GeneDx Variant Classification Process June 2021. Collection method: clinical testing. Allele origin: germline. Affected: yes.
Comment: Reported with a second HSD17B4 variant on the same allele (in cis) in a patient with autism spectrum disorder with atypical phenotype in published literature (PMID: 35326346); In silico analysis suggests that this missense variant does not alter protein structure/function; This variant is associated with the following publications: (PMID: 30692775, 35326346)

Ambry Genetics
Classification: Uncertain significance for Inborn genetic diseases. Last evaluated: 2024-12-04. Review status: criteria provided, single submitter. Criteria: Ambry Variant Classification Scheme 2023. Collection method: clinical testing. Allele origin: germline.

Blueprint Genetics
Classification: Uncertain significance. Last evaluated: 2024-10-14. Review status: criteria provided, single submitter. Criteria: ACMG Guidelines, 2015. Collection method: clinical testing. Allele origin: germline.

Laboratory for Molecular Medicine, Mass General Brigham Personalized Medicine
Classification: Uncertain significance. Last evaluated: 2017-09-02. Review status: criteria provided, single submitter. Criteria: LMM Criteria. Collection method: clinical testing. Allele origin: germline. Observed: 1 variant allele.
Comment: Variant classified as Uncertain Significance - Favor Benign. The p.Pro4Arg varia nt in HSD17B4 has not been previously reported in individuals with hearing loss, bi-functional protein deficiency (BPD), or Perrault syndrome. It has been ident ified in 36/126190 European by the Genome Aggregation Database (gnomAD; dbSNP rs142889209). Although this variant has been see n in the general population, its frequency is not high enough to rule out a path ogenic role. Computational prediction tools suggest that the p.Pro4Arg variant m ay not impact the protein, though this information is not predictive enough to r ule out pathogenicity. In summary, the clinical significance of the p.Pro4Arg va riant is uncertain.

Breakthrough Genomics
Classification: Uncertain significance. Review status: criteria provided, single submitter. Criteria: ACMG Guidelines, 2015. Collection method: not provided. Allele origin: germline. Inheritance: Autosomal recessive inheritance. Affected: yes.

Natera, Inc.
Classification: Uncertain significance for Bifunctional peroxisomal enzyme deficiency. Last evaluated: 2020-01-17. Review status: no assertion criteria provided. Collection method: clinical testing. Allele origin: germline. Not counted in ClinVar's aggregate classification.

Literature cited by the submitters: PubMed 30692775 (cited by Myriad Genetics, Inc.).

NM_000414.4(HSD17B4):c.11C>G (p.Pro4Arg)

Gene: HSD17B4 (hydroxysteroid 17-beta dehydrogenase 4; plus strand). Cytogenetic location: 5q23.1.
Variant type: single nucleotide variant.
Coding change: c.11C>G on transcript NM_000414.4 (MANE Select); coding-DNA position 11, C replaced by G.
Protein change: p.Pro4Arg; replaces proline 4 with arginine.
Molecular consequence: missense variant. On other transcripts: 5 prime UTR variant (8), non-coding transcript variant (2).
Genome position (GRCh38, 1-based): chr5:119,452,586, C>G. VCF-style: chr5-119452586-C-G. GRCh37 (hg19) VCF-style: chr5-118788281-C-G.
Other names: c.-168C>G (NM_001199291.3); c.11C>G, p.Pro4Arg (NM_001199292.2, NM_001374497.1, NM_001374498.1); c.-127C>G (NM_001292027.2); c.-589C>G (NM_001292028.2, NM_001374501.1); c.-523C>G (NM_001374499.1); c.-716C>G (NM_001374500.1); c.-594C>G (NM_001374502.1); c.-659C>G (NM_001374503.1); short protein forms P4R.
Identifiers: ClinVar variation 504834 (VCV000504834.19), dbSNP rs142889209, ClinGen allele CA3381583.
Genomic context (GRCh38, chr5:119,452,586, plus strand): 5'-GCGTCCAGCGGCTCTGCTTGTTCGTGTGTGTGTCGTTGCAGGCCTTATTCATGGGCTCAC[C>G]GCTGAGGTTCGACGGGCGGGTGGTACTGGTCACCGGCGCGGGGGCAGGTGAGCATGCGAA-3'
Protein context (NP_000405.1, residues 1-14): MGS[Pro4Arg]LRFDGRVVLV